The following is an entry in ClinVar:

NM_000264.5(PTCH1):c.2968G>T (p.Ala990Ser)

Gene: PTCH1 (patched 1; minus strand). Cytogenetic location: 9q22.32.
Variant type: single nucleotide variant.
Coding change: c.2968G>T on transcript NM_000264.5 (MANE Select); coding-DNA position 2968, G replaced by T.
Protein change: p.Ala990Ser; replaces alanine 990 with serine.
Molecular consequence: missense variant. On other transcripts: non-coding transcript variant (1).
Genome position (GRCh38, 1-based): chr9:95,458,213, C>A on the plus strand (G>T on the coding strand, the complement: PTCH1 is on the minus strand). VCF-style: chr9-95458213-C-A. GRCh37 (hg19) VCF-style: chr9-98220495-C-A.
Other names: c.2770G>T, p.Ala924Ser (NM_001083602.3); c.2965G>T, p.Ala989Ser (NM_001083603.3); c.2515G>T, p.Ala839Ser (NM_001083604.3, NM_001083605.3, NM_001083606.3 and 1 more transcripts); c.2812G>T, p.Ala938Ser (NM_001354918.2); short protein forms A839S, A924S, A938S, A989S, A990S.
Identifiers: ClinVar variation 4801797 (VCV004801797.1).

ClinVar aggregate classification (germline): Uncertain significance (1 of 4 stars; one submission).

Conditions:
Gorlin syndrome. Also called: Nevoid Basal Cell Carcinoma Syndrome; Basal cell nevus syndrome. Identifiers: Orphanet 377, MedGen C0004779, MONDO:0007187.

gnomAD v4.1: 2 of 1,614,136 alleles (0.00012%); highest among the groups gnomAD compares: Non-Finnish European, 0.00017%; no homozygotes.

Submission:

Labcorp Genetics (formerly Invitae), Labcorp
Classification: Uncertain significance for Gorlin syndrome. Last evaluated: 2025-08-11. Review status: criteria provided, single submitter. Criteria: Invitae Variant Classification Sherloc (09022015). Collection method: clinical testing. Allele origin: germline.
Comment: This sequence change replaces alanine, which is neutral and non-polar, with serine, which is neutral and polar, at codon 990 of the PTCH1 protein (p.Ala990Ser). This variant is not present in population databases (gnomAD no frequency). This variant has not been reported in the literature in individuals affected with PTCH1-related conditions. Invitae Evidence Modeling of protein sequence and biophysical properties (such as structural, functional, and spatial information, amino acid conservation, physicochemical variation, residue mobility, and thermodynamic stability) has been performed for this missense variant. However, the output from this modeling did not meet the statistical confidence thresholds required to predict the impact of this variant on PTCH1 protein function. In summary, the available evidence is currently insufficient to determine the role of this variant in disease. Therefore, it has been classified as a Variant of Uncertain Significance.